The following is an entry in ClinVar:

NC_000004.11:g.(?_159601599)_(159620302_?)dup

Gene: ETFDH (electron transfer flavoprotein dehydrogenase; plus strand). Cytogenetic location: 4q32.1.
Variant type: Duplication.
Identifiers: ClinVar variation 645364 (VCV000645364.1).

ClinVar aggregate classification (germline): Likely pathogenic (1 of 4 stars; one submission).

Conditions:
Multiple acyl-CoA dehydrogenase deficiency (MADD). Also called: ETHYLMALONIC-ADIPICACIDURIA; GA II; Glutaric Acidemia type 2; Glutaric aciduria, type 2; Glutaric acidemia type II; GA 2. Identifiers: Orphanet 26791, MedGen C0268596, MONDO:0009282, OMIM 231680.

Submission:

Labcorp Genetics (formerly Invitae), Labcorp
Classification: Likely pathogenic for Glutaric aciduria, type 2. Last evaluated: 2018-07-18. Review status: criteria provided, single submitter. Criteria: Invitae Variant Classification Sherloc (09022015). Collection method: clinical testing. Allele origin: germline.
Comment: This variant results in a copy number gain of the genomic region encompassing exons 2-9 of the ETFDH gene. While the exact position of this variant cannot be determined from this data, sub-genic copy number gains are generally in tandem (PMID: 25640679) and may result in an absent or disrupted protein product. This variant has not been reported in the literature in individuals with ETFDH-related disease. Loss-of-function variants in ETFDH are known to be pathogenic (PMID: 16510302, 23785301). In summary, the currently available evidence indicates that the variant is pathogenic, but additional data are needed to prove that conclusively. Therefore, this variant has been classified as Likely Pathogenic.